The following is an entry in ClinVar:

NM_000222.3(KIT):c.1181T>C (p.Val394Ala)

Gene: KIT (KIT proto-oncogene, receptor tyrosine kinase; plus strand). Cytogenetic location: 4q12.
Variant type: single nucleotide variant.
Coding change: c.1181T>C on transcript NM_000222.3 (MANE Select); coding-DNA position 1181, T replaced by C.
Protein change: p.Val394Ala; replaces valine 394 with alanine.
Molecular consequence: missense variant.
Genome position (GRCh38, 1-based): chr4:54,709,489, T>C. VCF-style: chr4-54709489-T-C. GRCh37 (hg19) VCF-style: chr4-55575655-T-C.
Other names: c.1181T>C, p.Val394Ala (NM_001093772.2, NM_001385285.1, NM_001385286.1); c.1184T>C, p.Val395Ala (NM_001385284.1, NM_001385288.1, NM_001385290.1 and 1 more transcripts); short protein forms V394A, V395A.
Identifiers: ClinVar variation 528575 (VCV000528575.23), dbSNP rs1553889094, ClinGen allele CA356902406.

ClinVar aggregate classification (germline): Uncertain significance. Review status: criteria provided, multiple submitters, no conflicts (2 of 4 stars). 3 submissions from 3 submitters: Uncertain significance (3). Last evaluated 2025-12-17.

Conditions:
Hereditary cancer-predisposing syndrome. Also called: Tumor predisposition; Hereditary neoplastic syndrome; Hereditary Cancer Syndrome; Neoplastic Syndromes, Hereditary. Identifiers: Orphanet 140162, MedGen C0027672, MeSH D009386, MONDO:0015356.
Gastrointestinal stromal tumor. Also called: Gastrointestinal stroma tumor; Gastrointestinal stromal tumor, somatic. Identifiers: Orphanet 44890, MedGen C0238198, MeSH D046152, MONDO:0011719, OMIM 606764, HP:0100723.

Allele frequency attached by ClinVar (database versions not stated): gnomAD 0.00001; TOPMed 0.00005.
gnomAD v4.1: 3 of 1,613,702 alleles (0.00019%); highest among the groups gnomAD compares: Admixed American, 0.0033%; no homozygotes.

Submissions (3):

Labcorp Genetics (formerly Invitae), Labcorp
Classification: Uncertain significance for Gastrointestinal stromal tumor. Last evaluated: 2025-12-17. Review status: criteria provided, single submitter. Criteria: Invitae Variant Classification Sherloc (09022015). Collection method: clinical testing. Allele origin: germline.
Comment: This sequence change replaces valine, which is neutral and non-polar, with alanine, which is neutral and non-polar, at codon 394 of the KIT protein (p.Val394Ala). This variant is not present in population databases (gnomAD no frequency). This variant has not been reported in the literature in individuals affected with KIT-related conditions. ClinVar contains an entry for this variant (Variation ID: 528575). An algorithm developed to predict the effect of missense changes on protein structure and function outputs the following: PolyPhen-2: "Benign". The alanine amino acid residue is found in multiple mammalian species, which suggests that this missense change does not adversely affect protein function. In summary, the available evidence is currently insufficient to determine the role of this variant in disease. Therefore, it has been classified as a Variant of Uncertain Significance.

Ambry Genetics
Classification: Uncertain significance for Hereditary cancer-predisposing syndrome. Last evaluated: 2024-12-15. Review status: criteria provided, single submitter. Criteria: Ambry Variant Classification Scheme 2023. Collection method: clinical testing. Allele origin: germline.
Comment: The p.V394A variant (also known as c.1181T>C), located in coding exon 7 of the KIT gene, results from a T to C substitution at nucleotide position 1181. The valine at codon 394 is replaced by alanine, an amino acid with similar properties. This amino acid position is highly conserved in available vertebrate species. In addition, this alteration is predicted to be tolerated by in silico analysis. Since supporting evidence is limited at this time, the clinical significance of this alteration remains unclear.

GeneDx
Classification: Uncertain significance. Last evaluated: 2022-08-05. Review status: criteria provided, single submitter. Criteria: GeneDx Variant Classification Process June 2021. Collection method: clinical testing. Allele origin: germline. Affected: yes.
Comment: Not observed at significant frequency in large population cohorts (gnomAD); In silico analysis supports that this missense variant does not alter protein structure/function; Has not been previously published as pathogenic or benign to our knowledge